The following is an entry in ClinVar:

NM_001164508.2(NEB):c.21628_21630+2del

Genes: NEB (nebulin; minus strand), RIF1 (replication timing regulatory factor 1; plus strand). Cytogenetic location: 2q23.3.
Variant type: Deletion.
Coding change: c.21628_21630+2del on transcript NM_001164508.2 (MANE Select); coding-DNA position 21628 through the canonical splice donor site of the intron after coding-DNA position 21630, 5 bases deleted (GATGT; older notation c.21628_21630+2delGATGT).
Molecular consequence: splice donor variant.
Genome position (GRCh38, 1-based): chr2:151,530,992-151,530,996, ACATC deleted on the plus strand (GATGT on the coding strand, the reverse complement: NEB is on the minus strand); deleting any 5 consecutive bases within chr2:151,530,992-151,530,998 gives the same sequence; the c. name uses the placement nearest the transcript's 3' end. VCF-style (leftmost placement, unchanged base first): chr2-151530991-TACATC-T. GRCh37 (hg19) VCF-style: chr2-152387505-TACATC-T.
Other names: c.16525_16527+2del (NM_004543.5); c.21628_21630+2del (NM_001164507.2); c.21733_21735+2del (NM_001271208.2).
Identifiers: ClinVar variation 1072753 (VCV001072753.7), dbSNP rs2153489310, ClinGen allele CA2499215021.

ClinVar aggregate classification (germline): Pathogenic (1 of 4 stars; one submission).

Conditions:
Nemaline myopathy 2 (NEM2). Also called: Nemaline myopathy 2, autosomal recessive. Identifiers: MedGen C1850569, MONDO:0009725, OMIM 256030.

Submission:

Labcorp Genetics (formerly Invitae), Labcorp
Classification: Pathogenic for Nemaline myopathy 2. Last evaluated: 2022-08-23. Review status: criteria provided, single submitter. Criteria: Invitae Variant Classification Sherloc (09022015). Collection method: clinical testing. Allele origin: germline.
Comment: For these reasons, this variant has been classified as Pathogenic. Algorithms developed to predict the effect of sequence changes on RNA splicing suggest that this variant may disrupt the consensus splice site. ClinVar contains an entry for this variant (Variation ID: 1072753). This variant has not been reported in the literature in individuals affected with NEB-related conditions. This variant is not present in population databases (gnomAD no frequency). This sequence change creates a premature translational stop signal (p.Ser7244Thrfs*11) in the NEB gene. It is expected to result in an absent or disrupted protein product. Loss-of-function variants in NEB are known to be pathogenic (PMID: 25205138).

Literature cited by the submitters: PubMed 25205138.